The following is an entry in ClinVar:

NM_205836.3(FBXO38):c.2207C>T (p.Ser736Phe)

Gene: FBXO38 (F-box protein 38; plus strand). Cytogenetic location: 5q32.
Variant type: single nucleotide variant.
Coding change: c.2207C>T on transcript NM_205836.3 (MANE Select); coding-DNA position 2207, C replaced by T.
Protein change: p.Ser736Phe; replaces serine 736 with phenylalanine.
Molecular consequence: missense variant. On other transcripts: intron variant (1).
Genome position (GRCh38, 1-based): chr5:148,427,501, C>T. VCF-style: chr5-148427501-C-T. GRCh37 (hg19) VCF-style: chr5-147807064-C-T.
Other names: c.2207C>T, p.Ser736Phe (NM_030793.5); c.1918+1800C>T (NM_001271723.2); short protein forms S736F.
Identifiers: ClinVar variation 3707788 (VCV003707788.2).
Genomic context (GRCh38, chr5:148,427,501, plus strand): 5'-GCTCACACAACACTGCTTCTCAAAGCCCCGACTTTGTAAGGACGGTGAACAGCGGCGGCT[C>T]TTCCGAGCCTAGCCCTACAGAAGTGGATGTGTCCAGGCAGTGTGCCTGCTCCCCCGGTGG-3'
Protein context (NP_995308.1, residues 726-746): DFVRTVNSGG[Ser736Phe]SEPSPTEVDV

ClinVar aggregate classification (germline): Uncertain significance (1 of 4 stars; one submission).

Conditions:
Distal hereditary motor neuropathy type 2. Identifiers: Orphanet 139525, MedGen C3711384, MeSH C580044, MONDO:0015352.

gnomAD v4.1: 8 of 1,614,188 alleles (0.0005%); highest among the groups gnomAD compares: Middle Eastern, 0.016%; no homozygotes.

Submission:

Labcorp Genetics (formerly Invitae), Labcorp
Classification: Uncertain significance for Distal hereditary motor neuropathy type 2. Last evaluated: 2024-05-12. Review status: criteria provided, single submitter. Criteria: Invitae Variant Classification Sherloc (09022015). Collection method: clinical testing. Allele origin: germline.
Comment: This sequence change replaces serine, which is neutral and polar, with phenylalanine, which is neutral and non-polar, at codon 736 of the FBXO38 protein (p.Ser736Phe). This variant is present in population databases (rs747475062, gnomAD 0.0009%). This variant has not been reported in the literature in individuals affected with FBXO38-related conditions. Advanced modeling of protein sequence and biophysical properties (such as structural, functional, and spatial information, amino acid conservation, physicochemical variation, residue mobility, and thermodynamic stability) performed at Invitae indicates that this missense variant is not expected to disrupt FBXO38 protein function with a negative predictive value of 80%. In summary, the available evidence is currently insufficient to determine the role of this variant in disease. Therefore, it has been classified as a Variant of Uncertain Significance.